The following is an entry in ClinVar:

NM_001382391.1(CSPP1):c.509C>A (p.Pro170His)

Gene: CSPP1 (centrosome and spindle pole associated protein 1; plus strand). Cytogenetic location: 8q13.1.
Variant type: single nucleotide variant.
Coding change: c.509C>A on transcript NM_001382391.1 (MANE Select); coding-DNA position 509, C replaced by A.
Protein change: p.Pro170His; replaces proline 170 with histidine.
Molecular consequence: missense variant. On other transcripts: 5 prime UTR variant (1).
Genome position (GRCh38, 1-based): chr8:67,095,318, C>A. VCF-style: chr8-67095318-C-A. GRCh37 (hg19) VCF-style: chr8-68007553-C-A.
Other names: c.-347C>A (NM_001291339.2); c.428C>A, p.Pro143His (NM_001363131.2, NM_001363133.2); c.509C>A, p.Pro170His (NM_001363132.2); c.617C>A, p.Pro206His (NM_001364869.1); c.536C>A, p.Pro179His (NM_001364870.1, NM_024790.7); short protein forms P206H, P143H, P170H, P179H.
Identifiers: ClinVar variation 848586 (VCV000848586.7), dbSNP rs762548335, ClinGen allele CA4770313.

ClinVar aggregate classification (germline): Uncertain significance. Review status: criteria provided, multiple submitters, no conflicts (2 of 4 stars). 2 submissions from 2 submitters: Uncertain significance (2). Last evaluated 2023-12-08.

Conditions:
Joubert syndrome 21 (JBTS21). Identifiers: MedGen C3810212, MONDO:0014288, OMIM 615636.
Inborn genetic diseases. Identifiers: MedGen C0950123, MeSH D030342.

Allele frequency attached by ClinVar (database versions not stated): gnomAD 0.00001; TOPMed 0.00002; gnomAD exomes 0.00004; ExAC 0.00005.
gnomAD v4.1: 14 of 1,571,556 alleles (0.00089%); highest among the groups gnomAD compares: Non-Finnish European, 0.0011%; no homozygotes.

Submissions (2):

Ambry Genetics
Classification: Uncertain significance for Inborn genetic diseases. Last evaluated: 2023-12-08. Review status: criteria provided, single submitter. Criteria: Ambry Variant Classification Scheme 2023. Collection method: clinical testing. Allele origin: germline.

Labcorp Genetics (formerly Invitae), Labcorp
Classification: Uncertain significance for Joubert syndrome 21. Last evaluated: 2022-05-27. Review status: criteria provided, single submitter. Criteria: Invitae Variant Classification Sherloc (09022015). Collection method: clinical testing. Allele origin: germline.
Comment: This sequence change replaces proline, which is neutral and non-polar, with histidine, which is basic and polar, at codon 179 of the CSPP1 protein (p.Pro179His). This variant is present in population databases (rs762548335, gnomAD 0.009%). This variant has not been reported in the literature in individuals affected with CSPP1-related conditions. ClinVar contains an entry for this variant (Variation ID: 848586). Algorithms developed to predict the effect of missense changes on protein structure and function are either unavailable or do not agree on the potential impact of this missense change (SIFT: "Deleterious"; PolyPhen-2: "Possibly Damaging"; Align-GVGD: "Class C0"). In summary, the available evidence is currently insufficient to determine the role of this variant in disease. Therefore, it has been classified as a Variant of Uncertain Significance.